The following is an entry in ClinVar:

ClinVar aggregate classification (germline): Uncertain significance. Review status: criteria provided, multiple submitters, no conflicts (2 of 4 stars). 3 submissions from 3 submitters: Uncertain significance (3). Last evaluated 2026-01-17.

Conditions:
Hereditary cancer-predisposing syndrome. Also called: Tumor predisposition; Hereditary Cancer Syndrome; Hereditary neoplastic syndrome; Neoplastic Syndromes, Hereditary. Identifiers: Orphanet 140162, MedGen C0027672, MeSH D009386, MONDO:0015356.
Familial adenomatous polyposis 1 (FAP1). Also called: FAMILIAL ADENOMATOUS POLYPOSIS 1, ATTENUATED; POLYPOSIS, ADENOMATOUS INTESTINAL. Identifiers: MedGen C2713442, MONDO:0021056, OMIM 175100. Disease mechanism: loss of function.

Allele frequency attached by ClinVar (database versions not stated): gnomAD exomes below 0.00001; gnomAD 0.00001; TOPMed 0.00002.
gnomAD v4.1: 2 of 1,614,016 alleles (0.00012%); highest among the groups gnomAD compares: African/African-American, 0.0013%; no homozygotes.

Submissions (3):

Labcorp Genetics (formerly Invitae), Labcorp
Classification: Uncertain significance for Familial adenomatous polyposis 1. Last evaluated: 2026-01-17. Review status: criteria provided, single submitter. Criteria: Invitae Variant Classification Sherloc (09022015). Collection method: clinical testing. Allele origin: germline.
Comment: This sequence change replaces serine, which is neutral and polar, with threonine, which is neutral and polar, at codon 833 of the APC protein (p.Ser833Thr). This variant is not present in population databases (gnomAD no frequency). This variant has not been reported in the literature in individuals affected with APC-related conditions. ClinVar contains an entry for this variant (Variation ID: 487027). Invitae Evidence Modeling of protein sequence and biophysical properties (such as structural, functional, and spatial information, amino acid conservation, physicochemical variation, residue mobility, and thermodynamic stability) indicates that this missense variant is not expected to disrupt APC protein function with a negative predictive value of 95%. In summary, the available evidence is currently insufficient to determine the role of this variant in disease. Therefore, it has been classified as a Variant of Uncertain Significance.

GeneDx
Classification: Uncertain significance. Last evaluated: 2024-09-24. Review status: criteria provided, single submitter. Criteria: GeneDx Variant Classification Process June 2021. Collection method: clinical testing. Allele origin: germline. Affected: yes.
Comment: Not observed at significant frequency in large population cohorts (gnomAD); In silico analysis indicates that this missense variant does not alter protein structure/function; Has not been previously published as pathogenic or benign to our knowledge

Ambry Genetics
Classification: Uncertain significance for Hereditary cancer-predisposing syndrome. Last evaluated: 2024-05-24. Review status: criteria provided, single submitter. Criteria: Ambry Variant Classification Scheme 2023. Collection method: clinical testing. Allele origin: germline.
Comment: The p.S833T variant (also known as c.2498G>C), located in coding exon 15 of the APC gene, results from a G to C substitution at nucleotide position 2498. The serine at codon 833 is replaced by threonine, an amino acid with similar properties. This amino acid position is not well conserved in available vertebrate species. In addition, in silico predictors for this gene do not accurately predict pathogenicity. Since supporting evidence is limited at this time, the clinical significance of this alteration remains unclear.

NM_000038.6(APC):c.2498G>C (p.Ser833Thr)

Gene: APC (APC regulator of Wnt signaling pathway; plus strand). Cytogenetic location: 5q22.2.
Variant type: single nucleotide variant.
Coding change: c.2498G>C on transcript NM_000038.6 (MANE Select); coding-DNA position 2498, G replaced by C.
Protein change: p.Ser833Thr; replaces serine 833 with threonine.
Molecular consequence: missense variant.
Genome position (GRCh38, 1-based): chr5:112,838,092, G>C. VCF-style: chr5-112838092-G-C. GRCh37 (hg19) VCF-style: chr5-112173789-G-C.
Other names: c.2498G>C, p.Ser833Thr (NM_001127510.3, NM_001354895.2); c.2444G>C, p.Ser815Thr (NM_001127511.3); c.2552G>C, p.Ser851Thr (NM_001354896.2); c.2528G>C, p.Ser843Thr (NM_001354897.2); c.2423G>C, p.Ser808Thr (NM_001354898.2); c.2414G>C, p.Ser805Thr (NM_001354899.2); c.2375G>C, p.Ser792Thr (NM_001354900.2); c.2321G>C, p.Ser774Thr (NM_001354901.2); and 5 more; short protein forms S815T, S833T, S774T, S792T, S550T, S732T, S808T, S707T.
Identifiers: ClinVar variation 487027 (VCV000487027.15), dbSNP rs1218113894, ClinGen allele CA16026812.